The following is an entry in ClinVar:

ClinVar aggregate classification (germline): Uncertain significance (1 of 4 stars; one submission).

Allele frequency attached by ClinVar (database versions not stated): TOPMed below 0.00001; gnomAD 0.00001.
gnomAD v4.1: 1 of 1,613,498 alleles (0.000062%); highest among the groups gnomAD compares: Admixed American, 0.0017%; no homozygotes.

Submission:

Ambry Genetics
Classification: Uncertain significance. Last evaluated: 2024-10-15. Review status: criteria provided, single submitter. Criteria: Ambry Variant Classification Scheme 2023. Collection method: clinical testing. Allele origin: germline.
Comment: The p.K858E variant (also known as c.2572A>G), located in coding exon 4 of the ALPK2 gene, results from an A to G substitution at nucleotide position 2572. The lysine at codon 858 is replaced by glutamic acid, an amino acid with similar properties. This amino acid position is conserved. In addition, this alteration is predicted to be tolerated by in silico analysis. Since supporting evidence is limited at this time, the clinical significance of this alteration remains unclear.

NM_052947.4(ALPK2):c.2572A>G (p.Lys858Glu)

Gene: ALPK2 (alpha kinase 2; minus strand). Cytogenetic location: 18q21.31.
Variant type: single nucleotide variant.
Coding change: c.2572A>G on transcript NM_052947.4 (MANE Select); coding-DNA position 2572, A replaced by G.
Protein change: p.Lys858Glu; replaces lysine 858 with glutamic acid.
Molecular consequence: missense variant.
Genome position (GRCh38, 1-based): chr18:58,537,615, T>C on the plus strand (A>G on the coding strand, the complement: ALPK2 is on the minus strand). VCF-style: chr18-58537615-T-C. GRCh37 (hg19) VCF-style: chr18-56204847-T-C.
Other names: short protein forms K858E.
Identifiers: ClinVar variation 1793259 (VCV001793259.3), dbSNP rs2051660150, ClinGen allele CA402570242.